The following is an entry in ClinVar:

NM_000073.3(CD3G):c.202G>A (p.Asp68Asn)

Genes: CD3G (CD3 gamma subunit of T-cell receptor complex; plus strand), LOC126861358 (BRD4-independent group 4 enhancer GRCh37_chr11:118220212-118221411; plus strand). Cytogenetic location: 11q23.3.
Variant type: single nucleotide variant.
Coding change: c.202G>A on transcript NM_000073.3 (MANE Select); coding-DNA position 202, G replaced by A.
Protein change: p.Asp68Asn; replaces aspartic acid 68 with asparagine.
Molecular consequence: missense variant.
Genome position (GRCh38, 1-based): chr11:118,349,865, G>A. VCF-style: chr11-118349865-G-A. GRCh37 (hg19) VCF-style: chr11-118220580-G-A.
Other names: c.202G>A, p.Asp68Asn (NM_001440319.1); short protein forms D68N.
Identifiers: ClinVar variation 5020698 (VCV005020698.1).
Genomic context (GRCh38, chr11:118,349,865, plus strand): 5'-GCAGAAGCCAAAAATATCACATGGTTTAAAGATGGGAAGATGATCGGCTTCCTAACTGAA[G>A]ATAAAAAAAAATGGAATCTGGGAAGTAATGCCAAGGACCCTCGAGGGATGTATCAGTGTA-3'
Protein context (NP_000064.1, residues 58-78): DGKMIGFLTE[Asp68Asn]KKKWNLGSNA

ClinVar aggregate classification (germline): Uncertain significance (1 of 4 stars; one submission).

Submission:

Dasa
Classification: Uncertain significance. Last evaluated: 2026-02-23. Review status: criteria provided, single submitter. Criteria: DASA Assertion Criteria. Collection method: clinical testing. Allele origin: germline.
Comment: NM_000073.3(CD3G):c.202G>A (p.Asp68Asn) is a missense variant that results in the substitution of aspartic acid with asparagine. This variant is rare in population databases. Computational prediction algorithms are consistent with a benign effect. The currently available literature and clinical evidence are not sufficient to establish a definitive association between this variant and the reported condition. Therefore, this variant is classified as a variant of uncertain significance.